The following is an entry in ClinVar:

NM_000330.4(RS1):c.97T>C (p.Trp33Arg)

Gene: RS1 (retinoschisin 1; minus strand). Cytogenetic location: Xp22.13.
Variant type: single nucleotide variant.
Coding change: c.97T>C on transcript NM_000330.4 (MANE Select); coding-DNA position 97, T replaced by C.
Protein change: p.Trp33Arg; replaces tryptophan 33 with arginine.
Molecular consequence: missense variant.
Genome position (GRCh38, 1-based): chrX:18,656,740, A>G on the plus strand (T>C on the coding strand, the complement: RS1 is on the minus strand). VCF-style: chrX-18656740-A-G. GRCh37 (hg19) VCF-style: chrX-18674860-A-G.
Other names: short protein forms W33R.
Identifiers: ClinVar variation 2095279 (VCV002095279.1), dbSNP rs1326297730, ClinGen allele CA412376532.

ClinVar aggregate classification (germline): Uncertain significance (1 of 4 stars; one submission).

Allele frequency attached by ClinVar (database versions not stated): TOPMed 0.00001; gnomAD exomes 0.00002.
gnomAD v4.1: 19 of 1,210,855 alleles (0.0016%); highest among the groups gnomAD compares: Non-Finnish European, 0.0021%; no homozygotes.

Submission:

Labcorp Genetics (formerly Invitae), Labcorp
Classification: Uncertain significance. Last evaluated: 2022-05-14. Review status: criteria provided, single submitter. Criteria: Invitae Variant Classification Sherloc (09022015). Collection method: clinical testing. Allele origin: germline.
Comment: This sequence change replaces tryptophan, which is neutral and slightly polar, with arginine, which is basic and polar, at codon 33 of the RS1 protein (p.Trp33Arg). This variant is not present in population databases (gnomAD no frequency). This variant has not been reported in the literature in individuals affected with RS1-related conditions. Advanced modeling of protein sequence and biophysical properties (such as structural, functional, and spatial information, amino acid conservation, physicochemical variation, residue mobility, and thermodynamic stability) performed at Invitae indicates that this missense variant is expected to disrupt RS1 protein function. In summary, the available evidence is currently insufficient to determine the role of this variant in disease. Therefore, it has been classified as a Variant of Uncertain Significance.